The following is an entry in ClinVar:

ClinVar aggregate classification (germline): Uncertain significance. Review status: criteria provided, multiple submitters, no conflicts (2 of 4 stars). 2 submissions from 2 submitters: Uncertain significance (2). Last evaluated 2025-08-18.

Allele frequency attached by ClinVar (database versions not stated): gnomAD exomes 0.00003; 1000 Genomes Project 30x 0.00016; 1000 Genomes Project 0.00020.
gnomAD v4.1: 42 of 1,568,134 alleles (0.0027%); highest among the groups gnomAD compares: Admixed American, 0.005%; no homozygotes.

Submissions (2):

Labcorp Genetics (formerly Invitae), Labcorp
Classification: Uncertain significance. Last evaluated: 2025-08-18. Review status: criteria provided, single submitter. Criteria: Invitae Variant Classification Sherloc (09022015). Collection method: clinical testing. Allele origin: germline.
Comment: This sequence change replaces glycine, which is neutral and non-polar, with alanine, which is neutral and non-polar, at codon 303 of the IL12RB2 protein (p.Gly303Ala). This variant is present in population databases (rs534864409, gnomAD 0.003%). This variant has not been reported in the literature in individuals affected with IL12RB2-related conditions. ClinVar contains an entry for this variant (Variation ID: 2160570). An algorithm developed to predict the effect of missense changes on protein structure and function (PolyPhen-2) suggests that this variant is likely to be disruptive. In summary, the available evidence is currently insufficient to determine the role of this variant in disease. Therefore, it has been classified as a Variant of Uncertain Significance.

Ambry Genetics
Classification: Uncertain significance. Last evaluated: 2024-01-22. Review status: criteria provided, single submitter. Criteria: Ambry Variant Classification Scheme 2023. Collection method: clinical testing. Allele origin: germline.

NM_001374259.2(IL12RB2):c.908G>C (p.Gly303Ala)

Gene: IL12RB2 (interleukin 12 receptor subunit beta 2; plus strand). Cytogenetic location: 1p31.3.
Variant type: single nucleotide variant.
Coding change: c.908G>C on transcript NM_001374259.2 (MANE Select); coding-DNA position 908, G replaced by C.
Protein change: p.Gly303Ala; replaces glycine 303 with alanine.
Molecular consequence: missense variant. On other transcripts: non-coding transcript variant (2).
Genome position (GRCh38, 1-based): chr1:67,330,760, G>C. VCF-style: chr1-67330760-G-C. GRCh37 (hg19) VCF-style: chr1-67796443-G-C.
Other names: c.908G>C, p.Gly303Ala (NM_001258214.1, NM_001258215.1, NM_001258216.1 and 2 more transcripts); c.908G>C (NM_001559.2); short protein forms G303A.
Identifiers: ClinVar variation 2160570 (VCV002160570.5), dbSNP rs534864409, ClinGen allele CA23503704.
Genomic context (GRCh38, chr1:67,330,760, plus strand): 5'-ATCTGAAACCATTTACAGAATATGAATTTCAGATTTCCTCTAAGCTACATCTTTATAAGG[G>C]AAGTTGGAGTGATTGGAGTGAATCATTGAGAGCACAAACACCAGAAGAAGGTATATGTCC-3'
Protein context (NP_001361188.1, residues 293-313): QISSKLHLYK[Gly303Ala]SWSDWSESLR